The following is an entry in ClinVar:

NM_001353345.2(SETD1B):c.4875C>T (p.Arg1625=)

Gene: SETD1B (SET domain containing 1B, histone lysine methyltransferase; plus strand). Cytogenetic location: 12q24.31.
Variant type: single nucleotide variant.
Coding change: c.4875C>T on transcript NM_001353345.2 (MANE Select); coding-DNA position 4875, C replaced by T.
Protein change: p.Arg1625=; no amino-acid change (arginine 1625 retained).
Molecular consequence: synonymous variant.
Genome position (GRCh38, 1-based): chr12:121,823,454, C>T. VCF-style: chr12-121823454-C-T. GRCh37 (hg19) VCF-style: chr12-122261360-C-T.
Identifiers: ClinVar variation 2643479 (VCV002643479.24), dbSNP rs757060513, ClinGen allele CA6839239.

ClinVar aggregate classification (germline): Likely benign (1 of 4 stars; one submission).

Allele frequency attached by ClinVar (database versions not stated): TOPMed 0.00002; gnomAD 0.00005; ExAC 0.00025; 1000 Genomes Project 30x 0.00031.
gnomAD v4.1: 84 of 1,549,894 alleles (0.0054%); highest among the groups gnomAD compares: South Asian, 0.05%; no homozygotes.

Submission:

CeGaT Center for Human Genetics Tuebingen
Classification: Likely benign. Last evaluated: 2023-01-01. Review status: criteria provided, single submitter. Criteria: CeGaT Center For Human Genetics Tuebingen Variant Classification Criteria Version 2. Collection method: clinical testing. Allele origin: germline. Affected: yes. Observed: 1 variant allele.
Comment: SETD1B: BP4, BP7